The following is an entry in ClinVar:

ClinVar aggregate classification (germline): Benign/Likely benign. Review status: criteria provided, multiple submitters, no conflicts (2 of 4 stars). 2 submissions from 2 submitters: Benign (1); Likely benign (1). Last evaluated 2026-08-01.

Allele frequency attached by ClinVar (database versions not stated): gnomAD 0.00485 and 0.00525; 1000 Genomes Project 0.00040; 1000 Genomes Project 30x 0.00062; ESP Exome Variant Server 0.00150; TOPMed 0.00192; ExAC 0.00260; gnomAD exomes 0.00293.
gnomAD v4.1: 4,674 of 1,289,608 alleles (0.36%); highest among the groups gnomAD compares: Non-Finnish European, 0.4%; 5 homozygotes.

Submissions (2):

CeGaT Center for Human Genetics Tuebingen
Classification: Likely benign. Last evaluated: 2026-08-01. Review status: criteria provided, single submitter. Criteria: CeGaT Center For Human Genetics Tuebingen Variant Classification Criteria Version 2. Collection method: clinical testing. Allele origin: germline. Affected: yes. Observed: 7 variant alleles.
Comment: DSCAM: BP4, BP7

Labcorp Genetics (formerly Invitae), Labcorp
Classification: Benign. Last evaluated: 2018-05-31. Review status: criteria provided, single submitter. Criteria: Invitae Variant Classification Sherloc (09022015). Collection method: clinical testing. Allele origin: germline.

NM_001389.5(DSCAM):c.5394A>G (p.Arg1798=)

Gene: DSCAM (DS cell adhesion molecule; minus strand). Cytogenetic location: 21q22.2.
Variant type: single nucleotide variant.
Coding change: c.5394A>G on transcript NM_001389.5 (MANE Select); coding-DNA position 5394, A replaced by G.
Protein change: p.Arg1798=; no amino-acid change (arginine 1798 retained).
Molecular consequence: synonymous variant. On other transcripts: non-coding transcript variant (1).
Genome position (GRCh38, 1-based): chr21:40,042,663, T>C on the plus strand (A>G on the coding strand, the complement: DSCAM is on the minus strand). VCF-style: chr21-40042663-T-C. GRCh37 (hg19) VCF-style: chr21-41414590-T-C.
Other names: c.5394A>G, p.Arg1798= (NM_001271534.3).
Identifiers: ClinVar variation 778180 (VCV000778180.37), dbSNP rs200764944, ClinGen allele CA10030313.
Genomic context (GRCh38, chr21:40,042,663, plus strand): 5'-GTAGGCCCTGGCCAGTTCTTCGTAAGTGGAGGAGGCACTTTCTGTGGAGACCATGCTGCT[T>C]CTTGCTCGATCTACACCAGGAAAGAGAAAAACAAGACGGACGACTCACCATCAGAAGTCT-3'
Protein context (NP_001380.2, residues 1788-1808): VSPSQDTDRA[Arg1798=]SSMVSTESAS